The following is an entry in ClinVar:

NM_004563.4(PCK2):c.779G>A (p.Gly260Asp)

Genes: NRL (neural retina leucine zipper; minus strand), PCK2 (phosphoenolpyruvate carboxykinase 2, mitochondrial; plus strand). Cytogenetic location: 14q11.2.
Variant type: single nucleotide variant.
Coding change: c.779G>A on transcript NM_004563.4 (MANE Select); coding-DNA position 779, G replaced by A.
Protein change: p.Gly260Asp; replaces glycine 260 with aspartic acid.
Molecular consequence: missense variant. On other transcripts: intron variant (3).
Genome position (GRCh38, 1-based): chr14:24,099,163, G>A. VCF-style: chr14-24099163-G-A. GRCh37 (hg19) VCF-style: chr14-24568372-G-A.
Other names: c.779G>A, p.Gly260Asp (NM_001018073.3); c.377G>A, p.Gly126Asp (NM_001291556.2, NM_001308054.2); c.-28+15559C>T (NM_001354768.3, NM_001354770.2); c.-253-14418C>T (NM_006177.5); short protein forms G126D, G260D.
Identifiers: ClinVar variation 2153079 (VCV002153079.4), dbSNP rs777209747, ClinGen allele CA7123221.

ClinVar aggregate classification (germline): Uncertain significance (1 of 4 stars; one submission).

Allele frequency attached by ClinVar (database versions not stated): gnomAD 0.00001; gnomAD exomes 0.00001; TOPMed 0.00001; ExAC 0.00002.
gnomAD v4.1: 16 of 1,610,408 alleles (0.00099%); highest among the groups gnomAD compares: Non-Finnish European, 0.0014%; no homozygotes.

Submission:

Labcorp Genetics (formerly Invitae), Labcorp
Classification: Uncertain significance. Last evaluated: 2025-08-21. Review status: criteria provided, single submitter. Criteria: Invitae Variant Classification Sherloc (09022015). Collection method: clinical testing. Allele origin: germline.
Comment: This sequence change replaces glycine, which is neutral and non-polar, with aspartic acid, which is acidic and polar, at codon 260 of the PCK2 protein (p.Gly260Asp). This variant is present in population databases (rs777209747, gnomAD 0.002%). This variant has not been reported in the literature in individuals affected with PCK2-related conditions. ClinVar contains an entry for this variant (Variation ID: 2153079). Invitae Evidence Modeling of protein sequence and biophysical properties (such as structural, functional, and spatial information, amino acid conservation, physicochemical variation, residue mobility, and thermodynamic stability) indicates that this missense variant is expected to disrupt PCK2 protein function with a positive predictive value of 80%. In summary, the available evidence is currently insufficient to determine the role of this variant in disease. Therefore, it has been classified as a Variant of Uncertain Significance.